The following is an entry in ClinVar:

ClinVar aggregate classification (germline): Uncertain significance (1 of 4 stars; one submission).

Conditions:
Myofibrillar myopathy 5. Also called: Filaminopathy (type); FILAMINOPATHY, AUTOSOMAL DOMINANT. Identifiers: Orphanet 171445, MedGen C1836050, MONDO:0012289, OMIM 609524.
Distal myopathy with posterior leg and anterior hand involvement. Also called: WILLIAMS DISTAL MYOPATHY. Identifiers: Orphanet 63273, MedGen C3279722, MONDO:0013550, OMIM 614065.
Hypertrophic cardiomyopathy 26. Also called: Cardiomyopathy, familial hypertrophic, 26. Identifiers: Orphanet 75249, MedGen C4310749, MONDO:0014883, OMIM 617047.

Submission:

Labcorp Genetics (formerly Invitae), Labcorp
Classification: Uncertain significance for Distal myopathy with posterior leg and anterior hand involvement; Myofibrillar myopathy 5; Hypertrophic cardiomyopathy 26. Last evaluated: 2022-04-12. Review status: criteria provided, single submitter. Criteria: Invitae Variant Classification Sherloc (09022015). Collection method: clinical testing. Allele origin: germline.
Comment: In summary, the available evidence is currently insufficient to determine the role of this variant in disease. Therefore, it has been classified as a Variant of Uncertain Significance. This variant has not been reported in the literature in individuals affected with FLNC-related conditions. Algorithms developed to predict the effect of missense changes on protein structure and function are either unavailable or do not agree on the potential impact of this missense change (SIFT: "Tolerated"; PolyPhen-2: "Possibly Damaging"; Align-GVGD: "Class C0"). This variant is not present in population databases (gnomAD no frequency). This sequence change replaces lysine, which is basic and polar, with glutamine, which is neutral and polar, at codon 1818 of the FLNC protein (p.Lys1818Gln).

NM_001458.5(FLNC):c.5452A>C (p.Lys1818Gln)

Genes: FLNC (filamin C; plus strand), FLNC-AS1 (FLNC antisense RNA 1; minus strand). Cytogenetic location: 7q32.1.
Variant type: single nucleotide variant.
Coding change: c.5452A>C on transcript NM_001458.5 (MANE Select); coding-DNA position 5452, A replaced by C.
Protein change: p.Lys1818Gln; replaces lysine 1818 with glutamine.
Molecular consequence: missense variant.
Genome position (GRCh38, 1-based): chr7:128,850,856, A>C. VCF-style: chr7-128850856-A-C. GRCh37 (hg19) VCF-style: chr7-128490910-A-C.
Other names: c.5353A>C, p.Lys1785Gln (NM_001127487.2); short protein forms K1785Q, K1818Q.
Identifiers: ClinVar variation 2187872 (VCV002187872.4), dbSNP rs2536654670, ClinGen allele CA369206716.
Genomic context (GRCh38, chr7:128,850,856, plus strand): 5'-CCTGCAGGAGAGGTGCGGATGCCCTCGGGGAAGACGGCACGGCCCAACATCACCGACAAC[A>C]AGGACGGCACCATCACGGTGAGGTATGCACCCACTGAGAAAGGCCTGCACCAGATGGGGA-3'
Protein context (NP_001449.3, residues 1808-1828): KTARPNITDN[Lys1818Gln]DGTITVRYAP